The following is an entry in ClinVar:

NM_000368.5(TSC1):c.3199A>G (p.Met1067Val)

Gene: TSC1 (TSC complex subunit 1; minus strand). Cytogenetic location: 9q34.13.
Variant type: single nucleotide variant.
Coding change: c.3199A>G on transcript NM_000368.5 (MANE Select); coding-DNA position 3199, A replaced by G.
Protein change: p.Met1067Val; replaces methionine 1067 with valine.
Molecular consequence: missense variant.
Genome position (GRCh38, 1-based): chr9:132,896,531, T>C on the plus strand (A>G on the coding strand, the complement: TSC1 is on the minus strand). VCF-style: chr9-132896531-T-C. GRCh37 (hg19) VCF-style: chr9-135771918-T-C.
Other names: c.3196A>G, p.Met1066Val (NM_001162426.2); c.3046A>G, p.Met1016Val (NM_001162427.2); c.2836A>G, p.Met946Val (NM_001362177.2); c.3199A>G (NM_000368.4); short protein forms M1016V, M946V, M1066V, M1067V.
Identifiers: ClinVar variation 1504676 (VCV001504676.9), dbSNP rs2131602062, ClinGen allele CA375367046.

ClinVar aggregate classification (germline): Conflicting classifications of pathogenicity. Review status: criteria provided, conflicting classifications (1 of 4 stars). 2 submissions from 2 submitters: Uncertain significance (1); Likely benign (1). Last evaluated 2025-12-15.

Conditions:
Hereditary cancer-predisposing syndrome. Also called: Neoplastic Syndromes, Hereditary; Tumor predisposition; Hereditary Cancer Syndrome; Hereditary neoplastic syndrome. Identifiers: Orphanet 140162, MedGen C0027672, MeSH D009386, MONDO:0015356.
Tuberous sclerosis 1 (TSC1). Identifiers: Orphanet 805, MedGen C1854465, MONDO:0008612, OMIM 191100.

Allele frequency attached by ClinVar (database versions not stated): gnomAD exomes below 0.00001.

Submissions (2):

Ambry Genetics
Classification: Likely benign for Hereditary cancer-predisposing syndrome. Last evaluated: 2025-12-15. Review status: criteria provided, single submitter. Criteria: Ambry Variant Classification Scheme 2023. Collection method: clinical testing. Allele origin: germline.

Labcorp Genetics (formerly Invitae), Labcorp
Classification: Uncertain significance for Tuberous sclerosis 1. Last evaluated: 2021-03-14. Review status: criteria provided, single submitter. Criteria: Invitae Variant Classification Sherloc (09022015). Collection method: clinical testing. Allele origin: germline.
Comment: In summary, the available evidence is currently insufficient to determine the role of this variant in disease. Therefore, it has been classified as a Variant of Uncertain Significance. Algorithms developed to predict the effect of missense changes on protein structure and function output the following: SIFT: "Tolerated"; PolyPhen-2: "Benign"; Align-GVGD: "Class C0". The valine amino acid residue is found in multiple mammalian species, suggesting that this missense change does not adversely affect protein function. These predictions have not been confirmed by published functional studies and their clinical significance is uncertain. This variant has not been reported in the literature in individuals with TSC1-related conditions. This variant is not present in population databases (ExAC no frequency). This sequence change replaces methionine with valine at codon 1067 of the TSC1 protein (p.Met1067Val). The methionine residue is weakly conserved and there is a small physicochemical difference between methionine and valine.